The following is an entry in ClinVar:

ClinVar aggregate classification (germline): Uncertain significance (1 of 4 stars; one submission).

Conditions:
Joubert syndrome. Also called: CEREBELLOPARENCHYMAL DISORDER IV; JOUBERT-BOLTSHAUSER SYNDROME; Familial aplasia of the vermis. Identifiers: Orphanet 475, MedGen C5979921, MONDO:0018772.
Meckel-Gruber syndrome. Also called: DYSENCEPHALIA SPLANCHNOCYSTICA; GRUBER SYNDROME; Dysencephalia splachnocystica. Identifiers: Orphanet 564, MedGen C0265215, MONDO:0018921.

Submission:

Labcorp Genetics (formerly Invitae), Labcorp
Classification: Uncertain significance for Joubert syndrome; Meckel-Gruber syndrome. Last evaluated: 2022-05-17. Review status: criteria provided, single submitter. Criteria: Invitae Variant Classification Sherloc (09022015). Collection method: clinical testing. Allele origin: germline.
Comment: In summary, the available evidence is currently insufficient to determine the role of this variant in disease. Therefore, it has been classified as a Variant of Uncertain Significance. Algorithms developed to predict the effect of missense changes on protein structure and function are either unavailable or do not agree on the potential impact of this missense change (SIFT: "Deleterious"; PolyPhen-2: "Benign"; Align-GVGD: "Class C0"). This variant has not been reported in the literature in individuals affected with RPGRIP1L-related conditions. This variant is not present in population databases (gnomAD no frequency). This sequence change replaces serine, which is neutral and polar, with phenylalanine, which is neutral and non-polar, at codon 951 of the RPGRIP1L protein (p.Ser951Phe).

NM_015272.5(RPGRIP1L):c.2852C>T (p.Ser951Phe)

Gene: RPGRIP1L (RPGRIP1 like; minus strand). Cytogenetic location: 16q12.2.
Variant type: single nucleotide variant.
Coding change: c.2852C>T on transcript NM_015272.5 (MANE Select); coding-DNA position 2852, C replaced by T.
Protein change: p.Ser951Phe; replaces serine 951 with phenylalanine.
Molecular consequence: missense variant.
Genome position (GRCh38, 1-based): chr16:53,641,307, G>A on the plus strand (C>T on the coding strand, the complement: RPGRIP1L is on the minus strand). VCF-style: chr16-53641307-G-A. GRCh37 (hg19) VCF-style: chr16-53675219-G-A.
Other names: c.2852C>T, p.Ser951Phe (NM_001127897.4, NM_001308334.3, NM_001330538.2); short protein forms S951F.
Identifiers: ClinVar variation 2125974 (VCV002125974.4), dbSNP rs1966204203, ClinGen allele CA395927149.